The following is an entry in ClinVar:

ClinVar aggregate classification (germline): Pathogenic. Review status: criteria provided, multiple submitters, no conflicts (2 of 4 stars). 3 submissions from 3 submitters: Pathogenic (3). Last evaluated 2023-11-20.

Conditions:
Hereditary nonpolyposis colorectal neoplasms. Identifiers: MedGen C0009405, MeSH D003123.
Hereditary cancer-predisposing syndrome. Also called: Neoplastic Syndromes, Hereditary; Tumor predisposition; Hereditary Cancer Syndrome; Hereditary neoplastic syndrome. Identifiers: Orphanet 140162, MedGen C0027672, MeSH D009386, MONDO:0015356.
Lynch syndrome 5 (LYNCH5). Also called: Colorectal cancer, hereditary nonpolyposis, type 5; Hereditary non-polyposis colorectal cancer, type 5. Identifiers: Orphanet 144, MedGen C1833477, MONDO:0013710, OMIM 614350. Disease mechanism: loss of function.

Submissions (3):

Labcorp Genetics (formerly Invitae), Labcorp
Classification: Pathogenic for Hereditary nonpolyposis colorectal neoplasms. Last evaluated: 2023-11-20. Review status: criteria provided, single submitter. Criteria: Invitae Variant Classification Sherloc (09022015). Collection method: clinical testing. Allele origin: germline.
Comment: This sequence change creates a premature translational stop signal (p.Gly973Trpfs*2) in the MSH6 gene. It is expected to result in an absent or disrupted protein product. Loss-of-function variants in MSH6 are known to be pathogenic (PMID: 18269114, 24362816). This variant is not present in population databases (gnomAD no frequency). This variant has not been reported in the literature in individuals affected with MSH6-related conditions. ClinVar contains an entry for this variant (Variation ID: 1797630). For these reasons, this variant has been classified as Pathogenic.

Myriad Genetics, Inc.
Classification: Pathogenic for Lynch syndrome 5. Last evaluated: 2023-08-21. Review status: criteria provided, single submitter. Criteria: Myriad Autosomal Dominant, Autosomal Recessive and X-Linked Classification Criteria (2023). Collection method: clinical testing. Allele origin: unknown.
Comment: This variant is considered pathogenic. This variant creates a frameshift predicted to result in premature protein truncation.

Ambry Genetics
Classification: Pathogenic for Hereditary cancer-predisposing syndrome. Last evaluated: 2022-10-24. Review status: criteria provided, single submitter. Criteria: Ambry Variant Classification Scheme 2023. Collection method: clinical testing. Allele origin: germline.
Comment: The c.2916dupT pathogenic mutation, located in coding exon 4 of the MSH6 gene, results from a duplication of T at nucleotide position 2916, causing a translational frameshift with a predicted alternate stop codon (p.G973Wfs*2). This variant is considered to be rare based on population cohorts in the Genome Aggregation Database (gnomAD). This alteration is expected to result in loss of function by premature protein truncation or nonsense-mediated mRNA decay. As such, this alteration is interpreted as a disease-causing mutation.

Literature cited by the submitters: PubMed 18269114 (cited by Labcorp Genetics (formerly Invitae), Labcorp); PubMed 24362816 (cited by Labcorp Genetics (formerly Invitae), Labcorp).

NM_000179.3(MSH6):c.2916dup (p.Gly973fs)

Gene: MSH6 (mutS homolog 6; plus strand). Cytogenetic location: 2p16.3.
Variant type: Duplication.
Coding change: c.2916dup on transcript NM_000179.3 (MANE Select); coding-DNA position 2916, one base duplicated (T; older notation c.2916dupT).
Protein change: p.Gly973fs; shifts the reading frame from glycine 973.
Molecular consequence: frameshift variant.
Genome position (GRCh38, 1-based): chr2:47,800,899, T duplicated; the last of 2 consecutive T bases (chr2:47,800,898-47,800,899); duplicating either gives the same sequence. VCF-style (leftmost placement, unchanged base first): chr2-47800897-A-AT. GRCh37 (hg19) VCF-style: chr2-48028036-A-AT.
Other names: c.2526dup, p.Gly843fs (NM_001281492.2); c.2010dup, p.Gly671fs (NM_001281493.2, NM_001281494.2); c.3012dup, p.Gly1005Trpfs (NM_001406795.1, NM_001406802.1); c.2916dup, p.Gly973Trpfs (NM_001406796.1, NM_001406798.1, NM_001406800.1 and 2 more transcripts); c.2619dup, p.Gly874Trpfs (NM_001406797.1, NM_001406801.1, NM_001406805.1 and 10 more transcripts); c.2391dup, p.Gly798Trpfs (NM_001406799.1, NM_001406806.1, NM_001406807.1); c.2838dup, p.Gly947Trpfs (NM_001406804.1); c.2010dup, p.Gly671Trpfs (NM_001406811.1, NM_001406812.1, NM_001406814.1 and 4 more transcripts); and 4 more; short protein forms G671fs, G843fs, G973fs.
Identifiers: ClinVar variation 1797630 (VCV001797630.8), dbSNP rs2104430494, ClinGen allele CA2580068106.